The following is an entry in ClinVar:

ClinVar aggregate classification (germline): Uncertain significance (1 of 4 stars; one submission).

Submission:

ARUP Laboratories, Molecular Genetics and Genomics, ARUP Laboratories
Classification: Uncertain significance. Last evaluated: 2019-08-30. Review status: criteria provided, single submitter. Criteria: ARUP Molecular Germline Variant Investigation Process. Collection method: clinical testing. Allele origin: germline.
Comment: The Hb Canuts variant (HBA1: c.256G>C; p.Asp86His, also known as Asp85His when numbered from the mature protein; rs33915947) is reported in the literature in a heterozygous individual with normal hematology (Joly 2009, HbVar database). This variant is absent from general population databases (Exome Variant Server, Genome Aggregation Database), indicating it is not a common polymorphism. The aspartate at codon 86 is highly conserved, and computational analyses (SIFT, PolyPhen-2) predict that this variant is deleterious. However, due to limited information, the clinical significance of the Hb Canuts variant is uncertain at this time. References: HbVar link to Hb Canuts: Joly P et al. Description of two new alpha variants: Hb Canuts [alpha85(F6)Asp-->His (alpha1)] and Hb Ambroise Pare [alpha117(GH5)Phe-->Ile (alpha2)]; two new beta variants: Hb Beaujolais [beta84(EF8)Thr-->Asn] and Hb Monplaisir [beta147 (Tyr-Lys-Leu-Ala-Phe-Phe-Leu-Leu-Ser-Asn-Phe-Tyr-158-COOH)] and one new delta variant: Hb (A2)North Africa [delta59(E3)Lys-->Met]. Hemoglobin. 2009;33(3):196-205.

NM_000558.5(HBA1):c.256G>C (p.Asp86His)

Genes: HBA1 (hemoglobin subunit alpha 1; plus strand), LOC106804613 (hemoglobin subunit alpha 1 recombination region; plus strand). Cytogenetic location: 16p13.3.
Variant type: single nucleotide variant.
Coding change: c.256G>C on transcript NM_000558.5 (MANE Select); coding-DNA position 256, G replaced by C.
Protein change: p.Asp86His; replaces aspartic acid 86 with histidine.
Molecular consequence: missense variant.
Genome position (GRCh38, 1-based): chr16:177,089, G>C. VCF-style: chr16-177089-G-C. GRCh37 (hg19) VCF-style: chr16-227088-G-C.
Other names: short protein forms D86H.
Identifiers: ClinVar variation 994421 (VCV000994421.8), dbSNP rs33915947, ClinGen allele CA276416974.